The following is an entry in ClinVar:

NM_000070.3(CAPN3):c.1768G>T (p.Val590Leu)

Gene: CAPN3 (calpain 3; plus strand). Cytogenetic location: 15q15.1.
Variant type: single nucleotide variant.
Coding change: c.1768G>T on transcript NM_000070.3 (MANE Select); coding-DNA position 1768, G replaced by T.
Protein change: p.Val590Leu; replaces valine 590 with leucine.
Molecular consequence: missense variant.
Genome position (GRCh38, 1-based): chr15:42,403,763, G>T. VCF-style: chr15-42403763-G-T. GRCh37 (hg19) VCF-style: chr15-42695961-G-T.
Other names: c.1768G>T, p.Val590Leu (NM_024344.2); c.1624G>T, p.Val542Leu (NM_173087.2); c.232G>T, p.Val78Leu (NM_173088.2); short protein forms V590L, V542L, V78L.
Identifiers: ClinVar variation 536511 (VCV000536511.10), dbSNP rs370809015, ClinGen allele CA392000574.

ClinVar aggregate classification (germline): Uncertain significance. Review status: criteria provided, single submitter (1 of 4 stars). 2 submissions from 2 submitters: Uncertain significance (1). 1 of the submissions does not count toward it. Last evaluated 2024-12-10.

Conditions:
Autosomal recessive limb-girdle muscular dystrophy type 2A (LGMDR1). Also called: Limb-girdle muscular dystrophy, type 2A; Calpainopathy; Muscular dystrophy, limb-girdle, type 2A, Amish; LEYDEN-MOEBIUS MUSCULAR DYSTROPHY; MUSCULAR DYSTROPHY, PELVOFEMORAL. Identifiers: Orphanet 267, MedGen C1869123, MONDO:0009675, OMIM 253600. Disease mechanism: loss of function.

Submissions (2):

Labcorp Genetics (formerly Invitae), Labcorp
Classification: Uncertain significance for Autosomal recessive limb-girdle muscular dystrophy type 2A. Last evaluated: 2024-12-10. Review status: criteria provided, single submitter. Criteria: Invitae Variant Classification Sherloc (09022015). Collection method: clinical testing. Allele origin: germline.
Comment: This sequence change replaces valine, which is neutral and non-polar, with leucine, which is neutral and non-polar, at codon 590 of the CAPN3 protein (p.Val590Leu). This variant is not present in population databases (gnomAD no frequency). This variant has not been reported in the literature in individuals affected with CAPN3-related conditions. ClinVar contains an entry for this variant (Variation ID: 536511). Invitae Evidence Modeling of protein sequence and biophysical properties (such as structural, functional, and spatial information, amino acid conservation, physicochemical variation, residue mobility, and thermodynamic stability) has been performed for this missense variant. However, the output from this modeling did not meet the statistical confidence thresholds required to predict the impact of this variant on CAPN3 protein function. In summary, the available evidence is currently insufficient to determine the role of this variant in disease. Therefore, it has been classified as a Variant of Uncertain Significance.

Natera, Inc.
Classification: Uncertain significance for Limb-girdle muscular dystrophy type 2A. Last evaluated: 2020-09-16. Review status: no assertion criteria provided. Collection method: clinical testing. Allele origin: germline. Not counted in ClinVar's aggregate classification.